The following is an entry in ClinVar:

ClinVar aggregate classification (germline): Conflicting classifications of pathogenicity. Review status: criteria provided, conflicting classifications (1 of 4 stars). 6 submissions from 6 submitters: Uncertain significance (4); Likely benign (2). Last evaluated 2026-03-04.

Conditions:
Thrombocytopenia 9 (THC9). Also called: THROMBOCYTOPENIA, AUTOSOMAL DOMINANT, 9. Identifiers: MedGen C5882678, MONDO:0957572, OMIM 620478.
Amegakaryocytic thrombocytopenia, congenital, 2 (CAMT2). Identifiers: MedGen C5882679, MONDO:0957575, OMIM 620481.
Thrombocythemia 1 (THCYT1). Also called: THROMBOCYTOSIS 1; THROMBOCYTHEMIA, SOMATIC. Identifiers: MedGen C3277671, MONDO:0008554, OMIM 187950.

Allele frequency attached by ClinVar (database versions not stated): 1000 Genomes Project 30x 0.00016; 1000 Genomes Project 0.00020; gnomAD exomes 0.00045; gnomAD 0.00051 and 0.00053; TOPMed 0.00054.
gnomAD v4.1: 792 of 1,614,198 alleles (0.049%); highest among the groups gnomAD compares: Non-Finnish European, 0.026%; no homozygotes.

Submissions (6):

GeneDx
Classification: Uncertain significance. Last evaluated: 2026-03-04. Review status: criteria provided, single submitter. Criteria: GeneDx Variant Classification Process June 2021. Collection method: clinical testing. Allele origin: germline.
Comment: Has not been previously published as pathogenic or benign to our knowledge; Reported using an alternate transcript of the gene; In silico analysis does not support a benign or deleterious effect of this variant on protein structure/function

Mayo Clinic Laboratories, Mayo Clinic
Classification: Likely benign. Last evaluated: 2025-09-17. Review status: criteria provided, single submitter. Criteria: ACMG Guidelines, 2015. Collection method: clinical testing. Allele origin: germline. Observed: 5 variant alleles.
Comment: BS1, BP4, BP7

Blueprint Genetics
Classification: Likely benign. Last evaluated: 2024-07-11. Review status: criteria provided, single submitter. Criteria: ACMG Guidelines, 2015. Collection method: clinical testing. Allele origin: germline.

Department of Pathology and Laboratory Medicine, Sinai Health System
Classification: Uncertain significance for Thrombocythemia 1; Thrombocytopenia 9; Amegakaryocytic thrombocytopenia, congenital, 2. Last evaluated: 2021-09-28. Review status: criteria provided, single submitter. Criteria: ACMG Guidelines, 2015. Collection method: research. Allele origin: germline.

Illumina Laboratory Services, Illumina
Classification: Uncertain significance for Thrombocythemia 1. Last evaluated: 2018-01-13. Review status: criteria provided, single submitter. Criteria: ICSL Variant Classification Criteria 13 December 2019. Collection method: clinical testing. Allele origin: germline.

Breakthrough Genomics
Classification: Uncertain significance. Review status: criteria provided, single submitter. Criteria: ACMG Guidelines, 2015. Collection method: not provided. Allele origin: germline. Inheritance: Autosomal dominant inheritance. Affected: yes.

NM_000460.4(THPO):c.-56G>A

Gene: THPO (thrombopoietin; minus strand). Cytogenetic location: 3q27.1.
Variant type: single nucleotide variant.
Coding change: c.-56G>A on transcript NM_000460.4 (MANE Select); 56 bases upstream of the start codon, G replaced by A.
Molecular consequence: 5 prime UTR variant. On other transcripts: missense variant (1).
Genome position (GRCh38, 1-based): chr3:184,376,315, C>T on the plus strand (G>A on the coding strand, the complement: THPO is on the minus strand). VCF-style: chr3-184376315-C-T. GRCh37 (hg19) VCF-style: chr3-184094103-C-T.
Other names: c.-56G>A (LRG_580t1, NM_001177597.2, NM_001177598.2 and 6 more transcripts); c.365G>A, p.Gly122Glu (NM_001290003.1); short protein forms G122E.
Identifiers: ClinVar variation 344374 (VCV000344374.10), dbSNP rs187556243, ClinGen allele CA10618192.